The following is an entry in ClinVar:

ClinVar aggregate classification (germline): Likely pathogenic (1 of 4 stars; one submission).

Conditions:
Nemaline myopathy 2 (NEM2). Also called: Nemaline myopathy 2, autosomal recessive. Identifiers: MedGen C1850569, MONDO:0009725, OMIM 256030.

Submission:

Myriad Genetics, Inc.
Classification: Likely pathogenic for Nemaline myopathy 2. Last evaluated: 2021-12-17. Review status: criteria provided, single submitter. Criteria: Myriad Women's Health Autosomal Recessive and X-Linked Classification Criteria (2021). Collection method: clinical testing. Allele origin: unknown.
Comment: NM_001271208.1(NEB):c.19981G>T(G6661*) is expected to be pathogenic in the context of NEB-related nemaline myopathy. This variant is predicted to lead to an abnormal or absent protein product due to the creation of a premature termination codon in NEB, a gene where loss-of-function variants are known to be pathogenic. Please note: this variant was assessed in the context of healthy population screening.

NM_001164508.2(NEB):c.19981G>T (p.Gly6661Ter)

Gene: NEB (nebulin; minus strand). Cytogenetic location: 2q23.3.
Variant type: single nucleotide variant.
Coding change: c.19981G>T on transcript NM_001164508.2 (MANE Select); coding-DNA position 19981, G replaced by T.
Protein change: p.Gly6661Ter; replaces glycine 6661 with a stop codon.
Molecular consequence: nonsense.
Genome position (GRCh38, 1-based): chr2:151,549,704, C>A on the plus strand (G>T on the coding strand, the complement: NEB is on the minus strand). VCF-style: chr2-151549704-C-A. GRCh37 (hg19) VCF-style: chr2-152406218-C-A.
Other names: c.19981G>T, p.Gly6661Ter (NM_001271208.2, NM_001164507.2); c.14878G>T, p.Gly4960Ter (NM_004543.5); short protein forms G4960*, G6661*.
Identifiers: ClinVar variation 1726490 (VCV001726490.2), dbSNP rs764103060, ClinGen allele CA348786944.